The following is an entry in ClinVar:

ClinVar aggregate classification (germline): Benign/Likely benign. Review status: criteria provided, multiple submitters, no conflicts (2 of 4 stars). 3 submissions from 3 submitters: Benign (1); Likely benign (2). Last evaluated 2025-02-19.

Conditions:
Hereditary cancer-predisposing syndrome. Also called: Hereditary Cancer Syndrome; Neoplastic Syndromes, Hereditary; Hereditary neoplastic syndrome; Tumor predisposition. Identifiers: Orphanet 140162, MedGen C0027672, MeSH D009386, MONDO:0015356.
Breast-ovarian cancer, familial, susceptibility to, 3. Also called: RAD51C-Related Breast/Ovarian Cancer. Identifiers: Orphanet 145, MedGen C3150659, MONDO:0013253, OMIM 613399.
Fanconi anemia complementation group O. Also called: RAD51C-Related Fanconi Anemia. Identifiers: Orphanet 84, MedGen C3150653, MONDO:0013248, OMIM 613390.

Allele frequency attached by ClinVar (database versions not stated): gnomAD exomes below 0.00001; ExAC 0.00001.
gnomAD v4.1: 2 of 1,613,644 alleles (0.00012%); highest among the groups gnomAD compares: South Asian, 0.0022%; no homozygotes.

Submissions (3):

Myriad Genetics, Inc.
Classification: Benign for Breast-ovarian cancer, familial, susceptibility to, 3. Last evaluated: 2025-02-19. Review status: criteria provided, single submitter. Criteria: Myriad Autosomal Dominant, Autosomal Recessive and X-Linked Classification Criteria (2023). Collection method: clinical testing. Allele origin: unknown.
Comment: This variant is considered benign. This variant is a silent/synonymous amino acid change and it is not expected to impact splicing.

Ambry Genetics
Classification: Likely benign for Hereditary cancer-predisposing syndrome. Last evaluated: 2023-08-13. Review status: criteria provided, single submitter. Criteria: Ambry Variant Classification Scheme 2023. Collection method: clinical testing. Allele origin: germline.

Labcorp Genetics (formerly Invitae), Labcorp
Classification: Likely benign for Fanconi anemia complementation group O. Last evaluated: 2022-04-28. Review status: criteria provided, single submitter. Criteria: Invitae Variant Classification Sherloc (09022015). Collection method: clinical testing. Allele origin: germline.

NM_058216.3(RAD51C):c.1087T>C (p.Leu363=)

Gene: RAD51C (RAD51 paralog C; plus strand). Cytogenetic location: 17q22.
Variant type: single nucleotide variant.
Coding change: c.1087T>C on transcript NM_058216.3 (MANE Select); coding-DNA position 1087, T replaced by C.
Protein change: p.Leu363=; no amino-acid change (leucine 363 retained).
Molecular consequence: synonymous variant. On other transcripts: non-coding transcript variant (1).
Genome position (GRCh38, 1-based): chr17:58,734,178, T>C. VCF-style: chr17-58734178-T-C. GRCh37 (hg19) VCF-style: chr17-56811539-T-C.
Other names: c.*515T>C (NM_058217.1).
Identifiers: ClinVar variation 2125892 (VCV002125892.7), dbSNP rs766809303, ClinGen allele CA8677411.